The following continues an entry in ClinVar:

NM_004004.6(GJB2):c.416G>A (p.Ser139Asn)

Gene: GJB2. ClinVar aggregate classification (germline): Pathogenic/Likely pathogenic. Pathogenic (25); Likely pathogenic (4).

Submissions 8 to 17 of 35:

Victorian Clinical Genetics Services, Murdoch Childrens Research Institute
Classification: Pathogenic for Autosomal recessive nonsyndromic hearing loss 1A. Last evaluated: 2025-02-05. Review status: criteria provided, single submitter. Criteria: ACMG Guidelines, 2015. Collection method: clinical testing. Allele origin: germline. Affected: yes.
Comment: This variant is classified as Pathogenic. Evidence in support of pathogenic classification: Variant is present in gnomAD <0.01 for a recessive condition (v2: 89 heterozygotes, 0 homozygotes); This variant has very strong previous evidence of pathogenicity in unrelated individuals. It has been reported in multiple compound heterozygote and homozygote individuals with deafness (ClinVar); This variant has moderate functional evidence supporting abnormal protein function. Transfection of mutant allele to HELA cells has shown mislocalisation (PMID: 16864573). Additional information: Variant is predicted to result in a missense amino acid change from serine to asparagine; This variant is heterozygous; This gene is associated with both recessive and dominant disease. The autosomal dominant diseases are commonly associated with pathogenic missense variants. The autosomal recessive disease is associated with biallelic loss of function variants and includes missense and protein truncating variants (NIH Genetics Home Reference, PMID: 12792423); Variant is located in an annotated transmembrane repeat (PMID: 16864573); Missense variant with conflicting in silico predictions and uninformative conservation; Loss of function is a known mechanism of disease in this gene and is associated with both deafness and skin conditions (OMIM). Dominant negative is also a suggested mechanism (PMID: 28428247); The condition associated with this gene has incomplete penetrance (PMID: 31160754); Variants in this gene are known to have variable expressivity. Severity can range from mild to profound with intrafamilial variability also commonly seen. Commonly, truncating variants are associated with a more severe hearing loss (PMID: 20301449); Inheritance information for this variant is not currently available in this individual.

Blueprint Genetics
Classification: Pathogenic for GJB2-related disorders. Last evaluated: 2024-07-02. Review status: criteria provided, single submitter. Criteria: ACMG Guidelines, 2015. Collection method: clinical testing. Allele origin: germline. Affected: yes. Observed: 5 variant alleles.

Fulgent Genetics
Classification: Pathogenic for Mutilating keratoderma; Autosomal dominant keratitis-ichthyosis-hearing loss syndrome; Palmoplantar keratoderma-deafness syndrome; Knuckle pads, deafness AND leukonychia syndrome; Autosomal recessive nonsyndromic hearing loss 1A; Autosomal dominant nonsyndromic hearing loss 3A. Last evaluated: 2024-05-14. Review status: criteria provided, single submitter. Criteria: ACMG Guidelines, 2015. Collection method: clinical testing. Allele origin: germline.

Department of Human Genetics, Hannover Medical School
Classification: Pathogenic for Autosomal recessive nonsyndromic hearing loss 1A. Last evaluated: 2024-04-30. Review status: criteria provided, single submitter. Criteria: ACMG Guidelines, 2015. Collection method: clinical testing. Allele origin: germline. Affected: yes.

Department of Pathology and Laboratory Medicine, Sinai Health System
Classification: Pathogenic for Knuckle pads, deafness AND leukonychia syndrome; Mutilating keratoderma; Palmoplantar keratoderma-deafness syndrome. Last evaluated: 2023-05-26. Review status: criteria provided, single submitter. Criteria: ACMG Guidelines, 2015. Collection method: research. Allele origin: germline.

Women's Health and Genetics/Laboratory Corporation of America, LabCorp
Classification: Pathogenic for Autosomal recessive nonsyndromic hearing loss 1A. Last evaluated: 2022-02-18. Review status: criteria provided, single submitter. Criteria: LabCorp Variant Classification Summary - May 2015. Collection method: clinical testing. Allele origin: germline.
Comment: Variant summary: GJB2 c.416G>A (p.Ser139Asn) results in a conservative amino acid change located in the Connexin, N-terminal domain of the encoded protein sequence. Three of five in-silico tools predict a benign effect of the variant on protein function. The variant allele was found at a frequency of 0.00029 in 251378 control chromosomes. This frequency is not significantly higher than expected for a pathogenic variant in GJB2 causing Autosomal Recessive Non-Syndromic Hearing Loss (0.00029 vs 0.025), allowing no conclusion about variant significance. The variant, c.416G>A, has been reported in the literature in multiple individuals affected with Autosomal Recessive Non-Syndromic Hearing Loss in compound heterozygous state with other pathogenic or potentially pathogenic variants (Marlin_2001, Santos_2005, Snoeckx_2005, Dodson_2011, Burke_2016, Plevova_2018). Additionally, it was found to segregate with disease in two affected siblings in a family (Santos_2005). This variant has also been found in hearing loss patients whose second mutation was not identified (Wu_2002, Azaiez_2004, Dai_2009, Bazazzadegan_2012, Bonyadi_2014). These data indicate that the variant is very likely to be associated with disease. Functional studies in HeLa cells showed defective localization and coupling (Fleishman_2006). 14 clinical diagnostic laboratories have submitted clinical-significance assessments for this variant to ClinVar after 2014 without evidence for independent evaluation, thirteen have classified as likely pathogenic/pathogenic while one has classified as benign. Based on the evidence outlined above, the variant was classified as pathogenic.

GeneDx
Classification: Pathogenic. Last evaluated: 2021-07-21. Review status: criteria provided, single submitter. Criteria: GeneDx Variant Classification Process June 2021. Collection method: clinical testing. Allele origin: germline. Affected: yes.
Comment: Also identified in individuals with nonsyndromic hearing loss in whom no second pathogenic variant was identified (Wu et al., 2003; Azaiez et al., 2004; Bonyadi et al., 2014); Published functional studies suggest that the S139N variant is associated with abnormal localization of the protein (Fleishman et al., 2006); In silico analysis supports that this missense variant has a deleterious effect on protein structure/function; This variant is associated with the following publications: (PMID: 19235794, 20668687, 20083784, 26284228, 12172394, 17666888, 19173109, 20981092, 21162657, 27785406, 27535533, 30275481, 31160754, 16864573, 32003480, 32596493, 20234132, 28483220, 30344259, 26778469, 15365987, 15656949, 16380907, 19366456, 17041943, 26444186, 25266519, 12925341, 16950989, 21465647, 22695344, 24529908, 28576516, 27018795, 29754767, 23891399, 25388846, 27153395, 27792752, 11493200, 22995991, 25087612, 12910486, 24033266)

Athena Diagnostics
Classification: Pathogenic. Last evaluated: 2021-07-13. Review status: criteria provided, single submitter. Criteria: Athena Diagnostics Criteria. Collection method: clinical testing. Allele origin: unknown.
Comment: The frequency of this variant in the general population is consistent with pathogenicity. This variant has been identified in at least one individual with clinical features associated with this gene. Assessment of experimental evidence suggests this variant results in abnormal protein function. Studies in HeLa cells showed defective localization and coupling (PMID: 16864573). In multiple individuals, this variant has been seen with a single recessive pathogenic variant in the same gene, suggesting this variant may also be pathogenic.

Baylor Genetics
Classification: Pathogenic for Autosomal recessive nonsyndromic hearing loss 1A. Last evaluated: 2021-03-07. Review status: criteria provided, single submitter. Criteria: ACMG Guidelines, 2015. Collection method: clinical testing. Allele origin: unknown.

ARUP Laboratories, Molecular Genetics and Genomics, ARUP Laboratories
Classification: Pathogenic. Last evaluated: 2021-02-10. Review status: criteria provided, single submitter. Criteria: ARUP Molecular Germline Variant Investigation Process 2021. Collection method: clinical testing. Allele origin: germline.
Comment: The GJB2 c.416G>A; p.Ser139Asn variant (rs76434661) is reported in the literature in multiple unrelated individuals affected with sensorineural hearing loss, and in many individuals a second pathogenic variant was also identified (Dodson 2011, Gao 2016, Li 2014, Marlin 2001, Plevova 2018, Santos 2005, Snoeckx 2005, Tang 2006, Xing 2016). Additionally, the p.Ser139Asn variant is reported to co-segregate with disease in a proband and an affected sibling (Santos 2005), and functional analysis shows the variant protein fails to correctly localize to plasma membrane junctions (Fleishman 2006). This variant is classified as likely pathogenic or pathogenic by multiple laboratories in ClinVar (Variation ID: 44749). It is found in the general population with an overall allele frequency of 0.03% (89/282358 alleles) in the Genome Aggregation Database. The serine at codon 139 is highly conserved, but computational analyses are uncertain whether this variant is neutral or deleterious (REVEL: 0.633). Based on available information, including its occurrence in multiple affected individuals, this variant is considered to be pathogenic. References: Dodson KM et al. Vestibular dysfunction in DFNB1 deafness. Am J Med Genet A. 2011 May;155A(5):993-1000. Fleishman SJ et al. The structural context of disease-causing mutations in gap junctions. J Biol Chem. 2006 Sep 29;281(39):28958-63. Gao Z et al. Application of SNPscan in Genetic Screening for Common Hearing Loss Genes. PLoS One. 2016 Oct 28;11(10):e0165650. Li Q et al. Comparative study of mutation spectrums of MT-RNR1 m.1555A>G, GJB2, and SLC26A4 between familial and sporadic patients with nonsyndromic sensorineural hearing loss in Chinese Han. Chin Med J (Engl). 2014;127(18):3233-7. Marlin S et al. Connexin 26 gene mutations in congenitally deaf children: pitfalls for genetic counseling. Arch Otolaryngol Head Neck Surg. 2001 Aug;127(8):927-33. Plevova P et al. Genetic Aetiology of Nonsyndromic Hearing Loss in Moravia-Silesia. Medicina (Kaunas). 2018 May 4;54(2):28. Santos RL et al. Hearing impairment in Dutch patients with connexin 26 (GJB2) and connexin 30 (GJB6) mutations. Int J Pediatr Otorhinolaryngol. 2005 Feb;69(2):165-74. Snoeckx RL et al. GJB2 mutations and degree of hearing loss: a multicenter study. Am J Hum Genet. 2005 Dec;77(6):945-57. Tang HY et al. DNA sequence analysis of GJB2, encoding connexin 26: observations from a population of hearing impaired cases and variable carrier rates, complex genotypes, and ethnic stratification of alleles among controls. Am J Med Genet A. 2006 Nov 15;140(22):2401-15. Xing J et al. Genetic and clinical analysis of nonsyndromic hearing impairment in pediatric and adult cases. Balkan J Med Genet. 2016 Aug 2;19(1):35-42.